The following is an entry in ClinVar:

ClinVar aggregate classification (germline): Likely benign (1 of 4 stars; one submission).

Submission:

CeGaT Center for Human Genetics Tuebingen
Classification: Likely benign. Last evaluated: 2023-11-01. Review status: criteria provided, single submitter. Criteria: CeGaT Center For Human Genetics Tuebingen Variant Classification Criteria Version 2. Collection method: clinical testing. Allele origin: germline. Affected: yes. Observed: 1 variant allele.
Comment: HCN4: BP4, BP7

NM_005477.3(HCN4):c.3105A>C (p.Pro1035=)

Gene: HCN4 (hyperpolarization activated cyclic nucleotide gated potassium channel 4; minus strand). Cytogenetic location: 15q24.1.
Variant type: single nucleotide variant.
Coding change: c.3105A>C on transcript NM_005477.3 (MANE Select); coding-DNA position 3105, A replaced by C.
Protein change: p.Pro1035=; no amino-acid change (proline 1035 retained).
Molecular consequence: synonymous variant.
Genome position (GRCh38, 1-based): chr15:73,322,988, T>G on the plus strand (A>C on the coding strand, the complement: HCN4 is on the minus strand). VCF-style: chr15-73322988-T-G. GRCh37 (hg19) VCF-style: chr15-73615329-T-G.
Identifiers: ClinVar variation 2672592 (VCV002672592.23), dbSNP rs1293237546, ClinGen allele CA491478092.
Genomic context (GRCh38, chr15:73,322,988, plus strand): 5'-TGGCAGGAGCAAGGATCCGTGGGAGCCAGAGGCCCGGGGCGGGGCACTCGGGAAGGTTCT[T>G]GGGGGGCCTGGGCTGTGGCCAGGGGGGCTGAGACCTCCTCGGGGAGTAAAGCCTACAGGG-3'
Protein context (NP_005468.1, residues 1025-1045): LSPPGHSPGP[Pro1035=]RTFPSAPPRA